The following is an entry in ClinVar:

NM_001369369.1(FOXN1):c.332G>A (p.Ser111Asn)

Gene: FOXN1 (forkhead box N1; plus strand). Cytogenetic location: 17q11.2.
Variant type: single nucleotide variant.
Coding change: c.332G>A on transcript NM_001369369.1 (MANE Select); coding-DNA position 332, G replaced by A.
Protein change: p.Ser111Asn; replaces serine 111 with asparagine.
Molecular consequence: missense variant.
Genome position (GRCh38, 1-based): chr17:28,524,711, G>A. VCF-style: chr17-28524711-G-A. GRCh37 (hg19) VCF-style: chr17-26851729-G-A.
Other names: c.332G>A, p.Ser111Asn (NM_003593.3); short protein forms S111N.
Identifiers: ClinVar variation 1376333 (VCV001376333.5), dbSNP rs772403336, ClinGen allele CA8459201.
Genomic context (GRCh38, chr17:28,524,711, plus strand): 5'-TCAGGCTCTCACCCTCAGACAAGTATCCTGGCTTTGGCTTTGAGGAGGCCGCAGCAAGCA[G>A]CCCTGGGCGATTCCTCAAGGGCAGCCACGCGCCCTTCCACCCGTACAAGCGGCCTTTCCA-3'
Protein context (NP_001356298.1, residues 101-121): GFGFEEAAAS[Ser111Asn]PGRFLKGSHA

ClinVar aggregate classification (germline): Uncertain significance (1 of 4 stars; one submission).

Conditions:
T-cell immunodeficiency, congenital alopecia, and nail dystrophy. Also called: Congenital alopecia and nail dystrophy associated with severe functional T-cell immunodeficiency; Pignata Guarino syndrome. Identifiers: Orphanet 169095, MedGen C1866426, MONDO:0011132, OMIM 601705.

Allele frequency attached by ClinVar (database versions not stated): gnomAD 0.00001; ExAC 0.00002; TOPMed 0.00002; gnomAD exomes 0.00003 and 0.00005.
gnomAD v4.1: 16 of 1,612,510 alleles (0.00099%); highest among the groups gnomAD compares: Admixed American, 0.027%; no homozygotes.

Submission:

Labcorp Genetics (formerly Invitae), Labcorp
Classification: Uncertain significance for T-cell immunodeficiency, congenital alopecia, and nail dystrophy. Last evaluated: 2025-04-28. Review status: criteria provided, single submitter. Criteria: Invitae Variant Classification Sherloc (09022015). Collection method: clinical testing. Allele origin: germline.
Comment: This sequence change replaces serine, which is neutral and polar, with asparagine, which is neutral and polar, at codon 111 of the FOXN1 protein (p.Ser111Asn). This variant is present in population databases (rs772403336, gnomAD 0.04%). This variant has not been reported in the literature in individuals affected with FOXN1-related conditions. ClinVar contains an entry for this variant (Variation ID: 1376333). Invitae Evidence Modeling of protein sequence and biophysical properties (such as structural, functional, and spatial information, amino acid conservation, physicochemical variation, residue mobility, and thermodynamic stability) indicates that this missense variant is not expected to disrupt FOXN1 protein function with a negative predictive value of 80%. In summary, the available evidence is currently insufficient to determine the role of this variant in disease. Therefore, it has been classified as a Variant of Uncertain Significance.